The following is an entry in ClinVar:

ClinVar aggregate classification (germline): Uncertain significance (1 of 4 stars; one submission).

gnomAD v4.1: 6 of 1,614,222 alleles (0.00037%); highest among the groups gnomAD compares: Admixed American, 0.0017%; no homozygotes.

Submission:

CeGaT Center for Human Genetics Tuebingen
Classification: Uncertain significance. Last evaluated: 2025-05-01. Review status: criteria provided, single submitter. Criteria: CeGaT Center For Human Genetics Tuebingen Variant Classification Criteria Version 2. Collection method: clinical testing. Allele origin: germline. Affected: yes. Observed: 1 variant allele.
Comment: PER2: PM2, BP4

NM_022817.3(PER2):c.152G>A (p.Arg51Gln)

Gene: PER2 (period circadian regulator 2; minus strand). Cytogenetic location: 2q37.3.
Variant type: single nucleotide variant.
Coding change: c.152G>A on transcript NM_022817.3 (MANE Select); coding-DNA position 152, G replaced by A.
Protein change: p.Arg51Gln; replaces arginine 51 with glutamine.
Molecular consequence: missense variant.
Genome position (GRCh38, 1-based): chr2:238,277,785, C>T on the plus strand (G>A on the coding strand, the complement: PER2 is on the minus strand). VCF-style: chr2-238277785-C-T. GRCh37 (hg19) VCF-style: chr2-239186426-C-T.
Other names: short protein forms R51Q.
Identifiers: ClinVar variation 3905599 (VCV003905599.10).